The following is an entry in ClinVar:

ClinVar aggregate classification (germline): Likely pathogenic. Review status: criteria provided, multiple submitters, no conflicts (2 of 4 stars). 3 submissions from 3 submitters: Likely pathogenic (3). Last evaluated 2022-11-17.

Conditions:
Cardiovascular phenotype. Identifiers: MedGen CN230736.

Submissions (3):

GeneDx
Classification: Likely pathogenic. Last evaluated: 2022-11-17. Review status: criteria provided, single submitter. Criteria: GeneDx Variant Classification Process June 2021. Collection method: clinical testing. Allele origin: germline. Affected: yes.
Comment: Nonsense variant predicted to result in protein truncation or nonsense mediated decay in a gene for which loss of function is a known mechanism of disease; Not observed at significant frequency in large population cohorts (gnomAD); Located in the A-band region of TTN in which the majority of loss of function variants have been associated with autosomal dominant titinopathies (Herman et al., 2012); Has not been previously published as pathogenic or benign in association with cardiomyopathy or skeletal myopathy to our knowledge; This variant is associated with the following publications: (PMID: 28152038, 22335739)

Stanford Center for Inherited Cardiovascular Disease, Stanford University
Classification: Likely pathogenic. Last evaluated: 2016-08-24. Review status: criteria provided, single submitter. Criteria: ACMG Guidelines, 2015. Collection method: provider interpretation. Allele origin: germline.

Ambry Genetics
Classification: Likely pathogenic for Cardiovascular phenotype. Last evaluated: 2013-01-17. Review status: criteria provided, single submitter. Criteria: Ambry Autosomal Dominant and X-Linked criteria (10/2015). Collection method: clinical testing. Allele origin: germline. Observed: 1 variant allele.

NM_001267550.2(TTN):c.99496G>T (p.Glu33166Ter)

Genes: TTN (titin; minus strand), TTN-AS1 (TTN antisense RNA 1; plus strand). Cytogenetic location: 2q31.2.
Variant type: single nucleotide variant.
Coding change: c.99496G>T on transcript NM_001267550.2 (MANE Select); coding-DNA position 99496, G replaced by T.
Protein change: p.Glu33166Ter; replaces glutamic acid 33166 with a stop codon.
Molecular consequence: nonsense.
Genome position (GRCh38, 1-based): chr2:178,537,711, C>A on the plus strand (G>T on the coding strand, the complement: TTN is on the minus strand). VCF-style: chr2-178537711-C-A. GRCh37 (hg19) VCF-style: chr2-179402438-C-A.
Other names: c.99496G>T (NM_001267550.1); c.94573G>T, p.Glu31525Ter (NM_001256850.1); c.72301G>T, p.Glu24101Ter (NM_003319.4); c.91792G>T, p.Glu30598Ter (NM_133378.4); c.72676G>T, p.Glu24226Ter (NM_133432.3); c.72877G>T, p.Glu24293Ter (NM_133437.4); short protein forms E30598*, E33166*, E24101*, E31525*, E24226*, E24293*.
Identifiers: ClinVar variation 263491 (VCV000263491.6), dbSNP rs886038825, ClinGen allele CA10587446.
Genomic context (GRCh38, chr2:178,537,711, plus strand): 5'-TACTGGTTTCTACTTCTCCAACCTCATTGGTGGCTATGCAGGTATAAACACCTTCATCTT[C>A]CTGTTCCTCTGTCATTACTGTAAGAGTGTGTGTGCGTCCATCTGAAGACATTTTGTATTT-3'